The following is an entry in ClinVar:

NC_000005.9:g.(?_127666331)_(127799615_?)del

Gene: FBN2 (fibrillin 2; minus strand). Cytogenetic location: 5q23.3.
Variant type: Deletion.
Identifiers: ClinVar variation 1410550 (VCV001410550.6).

ClinVar aggregate classification (germline): Uncertain significance (1 of 4 stars; one submission).

Conditions:
Congenital contractural arachnodactyly (CCA). Also called: Arthrogryposis, distal, type 9; BEALS SYNDROME; Beals-Hecht syndrome. Identifiers: Orphanet 115, MedGen C0220668, MONDO:0007363, OMIM 121050.

Submission:

Labcorp Genetics (formerly Invitae), Labcorp
Classification: Uncertain significance for Congenital contractural arachnodactyly. Last evaluated: 2022-11-07. Review status: criteria provided, single submitter. Criteria: Invitae Variant Classification Sherloc (09022015). Collection method: clinical testing. Allele origin: germline.
Comment: In summary, the available evidence is currently insufficient to determine the role of this variant in disease. Therefore, it has been classified as a Variant of Uncertain Significance. This variant has been observed in individual(s) with clinical features of congenital contractural arachnodactyly (Invitae). This variant results in the deletion of exons 7-32 and part of exon 33 (c.826+802_4279del) of the FBN2 gene. It is expected to disrupt RNA splicing. Variants that disrupt the donor or acceptor splice site typically lead to a loss of protein function (PMID: 16199547), however the current clinical and genetic evidence is not sufficient to establish whether loss-of-function variants in FBN2 cause disease.

Literature cited by the submitters: PubMed 16199547.